The following is an entry in ClinVar:

ClinVar aggregate classification (germline): Uncertain significance (1 of 4 stars; one submission).

Submission:

CeGaT Center for Human Genetics Tuebingen
Classification: Uncertain significance. Last evaluated: 2025-08-01. Review status: criteria provided, single submitter. Criteria: CeGaT Center For Human Genetics Tuebingen Variant Classification Criteria Version 2. Collection method: clinical testing. Allele origin: germline. Affected: yes. Observed: 1 variant allele.
Comment: NEFH: PM2, PP3

NM_021076.4(NEFH):c.1225G>A (p.Glu409Lys)

Gene: NEFH (neurofilament heavy chain; plus strand). Cytogenetic location: 22q12.2.
Variant type: single nucleotide variant.
Coding change: c.1225G>A on transcript NM_021076.4 (MANE Select); coding-DNA position 1225, G replaced by A.
Protein change: p.Glu409Lys; replaces glutamic acid 409 with lysine.
Molecular consequence: missense variant.
Genome position (GRCh38, 1-based): chr22:29,488,865, G>A. VCF-style: chr22-29488865-G-A. GRCh37 (hg19) VCF-style: chr22-29884854-G-A.
Other names: short protein forms E409K.
Identifiers: ClinVar variation 4085885 (VCV004085885.8).